The following is an entry in ClinVar:

NM_000379.4(XDH):c.1820G>A (p.Arg607Gln)

Gene: XDH (xanthine dehydrogenase; minus strand). Cytogenetic location: 2p23.1.
Variant type: single nucleotide variant.
Coding change: c.1820G>A on transcript NM_000379.4 (MANE Select); coding-DNA position 1820, G replaced by A.
Protein change: p.Arg607Gln; replaces arginine 607 with glutamine.
Molecular consequence: missense variant.
Genome position (GRCh38, 1-based): chr2:31,372,264, C>T on the plus strand (G>A on the coding strand, the complement: XDH is on the minus strand). VCF-style: chr2-31372264-C-T. GRCh37 (hg19) VCF-style: chr2-31595130-C-T.
Other names: p.Arg607Gln; short protein forms R607Q.
Identifiers: ClinVar variation 536215 (VCV000536215.42), dbSNP rs45442092, ClinGen allele CA1599071.

ClinVar aggregate classification (germline): Likely benign. Review status: criteria provided, multiple submitters, no conflicts (2 of 4 stars). 7 submissions from 7 submitters: Likely benign (7). Last evaluated 2025-12-06.

Conditions:
Xanthinuria type II. Also called: Xanthine dehydrogenase and aldehyde oxidase combined deficiency of; XDH and AOX dual deficiency. Identifiers: Orphanet 3467, Orphanet 93602, MedGen C1863688, MONDO:0011346, OMIM 603592.
Hereditary xanthinuria type 1 (XAN1). Identifiers: Orphanet 3467, Orphanet 93601, MedGen C0268118, MONDO:0010209, OMIM 278300.
XDH-related disorder. Also called: XDH-related condition.

Allele frequency attached by ClinVar (database versions not stated): 1000 Genomes Project 30x 0.00156; 1000 Genomes Project 0.00160; gnomAD 0.00245 and 0.00254; ESP Exome Variant Server 0.00361.
gnomAD v4.1: 5,517 of 1,614,242 alleles (0.34%); highest among the groups gnomAD compares: Non-Finnish European, 0.43%; 20 homozygotes.

Submissions (7):

Labcorp Genetics (formerly Invitae), Labcorp
Classification: Likely benign for Xanthinuria type II. Last evaluated: 2025-12-06. Review status: criteria provided, single submitter. Criteria: Invitae Variant Classification Sherloc (09022015). Collection method: clinical testing. Allele origin: germline.

Mayo Clinic Laboratories, Mayo Clinic
Classification: Likely benign. Last evaluated: 2025-10-14. Review status: criteria provided, single submitter. Criteria: ACMG Guidelines, 2015. Collection method: clinical testing. Allele origin: germline. Observed: 1 variant allele.
Comment: BS1, BS2, BP4_moderate

PreventionGenetics, part of Exact Sciences
Classification: Likely benign for XDH-related condition. Last evaluated: 2025-09-18. Review status: criteria provided, single submitter. Criteria: ACMG Guidelines, 2015. Collection method: clinical testing. Allele origin: germline.
Comment: This variant is classified as likely benign based on ACMG/AMP sequence variant interpretation guidelines (Richards et al. 2015 PMID: 25741868, with internal and published modifications).

Blueprint Genetics
Classification: Likely benign. Last evaluated: 2024-11-18. Review status: criteria provided, single submitter. Criteria: ACMG Guidelines, 2015. Collection method: clinical testing. Allele origin: germline.

CeGaT Center for Human Genetics Tuebingen
Classification: Likely benign. Last evaluated: 2022-09-01. Review status: criteria provided, single submitter. Criteria: CeGaT Center For Human Genetics Tuebingen Variant Classification Criteria Version 2. Collection method: clinical testing. Allele origin: germline. Affected: yes. Observed: 1 variant allele.
Comment: XDH: BP4

Illumina Laboratory Services, Illumina
Classification: Likely benign for Hereditary xanthinuria type 1. Last evaluated: 2017-04-27. Review status: criteria provided, single submitter. Criteria: ICSL Variant Classification Criteria 13 December 2019. Collection method: clinical testing. Allele origin: germline.
Comment: This variant was observed as part of a predisposition screen in an ostensibly healthy population. A literature search was performed for the gene, cDNA change, and amino acid change (where applicable). Publications were found based on this search. The evidence from the literature, in combination with allele frequency data from public databases where available, was sufficient to determine this variant is unlikely to cause disease. Therefore, this variant is classified as likely benign.

Breakthrough Genomics
Classification: Likely benign. Review status: criteria provided, single submitter. Criteria: ACMG Guidelines, 2015. Collection method: not provided. Allele origin: germline. Inheritance: Autosomal recessive inheritance. Affected: yes.

Literature cited by the submitters: PubMed 18300946 (cited by Mayo Clinic Laboratories, Mayo Clinic and Illumina Laboratory Services, Illumina); PubMed 20814157 (cited by Mayo Clinic Laboratories, Mayo Clinic); PubMed 23203137 (cited by Mayo Clinic Laboratories, Mayo Clinic); PubMed 34829959 (cited by Mayo Clinic Laboratories, Mayo Clinic); PubMed 37547543 (cited by Mayo Clinic Laboratories, Mayo Clinic).